The following is an entry in ClinVar:

ClinVar aggregate classification (germline): Conflicting classifications of pathogenicity. Review status: criteria provided, conflicting classifications (1 of 4 stars). 6 submissions from 6 submitters: Uncertain significance (1); Benign (1); Likely benign (3). 1 of the submissions does not count toward it. Last evaluated 2025-04-29.

Conditions:
TARDBP-related disorder. Also called: TARDBP-related condition.
Inborn genetic diseases. Identifiers: MedGen C0950123, MeSH D030342.
Amyotrophic lateral sclerosis type 10 (ALS10). Also called: AMYOTROPHIC LATERAL SCLEROSIS 10 WITH OR WITHOUT FRONTOTEMPORAL DEMENTIA; Amyotrophic lateral sclerosis 10, with or without FTD; AMYOTROPHIC LATERAL SCLEROSIS 10 WITHOUT FRONTOTEMPORAL DEMENTIA AND WITH TDP43 INCLUSIONS; AMYOTROPHIC LATERAL SCLEROSIS 10 WITH OR WITHOUT FRONTOTEMPORAL DEMENTIA AND WITH TDP43 INCLUSIONS; TARDBP-Related Amyotrophic Lateral Sclerosis-Frontotemporal Dementia. Identifiers: Orphanet 275872, Orphanet 803, MedGen C2677565, MONDO:0012790, OMIM 612069.
FRONTOTEMPORAL LOBAR DEGENERATION WITH TDP43 INCLUSIONS, TARDBP-RELATED. Also called: Frontotemporal lobar degeneration, TARDBP-related. Identifiers: MedGen C3150169, OMIM 612069.

Allele frequency attached by ClinVar (database versions not stated): ExAC 0.00005; gnomAD 0.00006 and 0.00007; gnomAD exomes 0.00009; TOPMed 0.00010; ESP Exome Variant Server 0.00015; 1000 Genomes Project 30x 0.00016; 1000 Genomes Project 0.00020.
gnomAD v4.1: 144 of 1,613,842 alleles (0.0089%); highest among the groups gnomAD compares: Non-Finnish European, 0.012%; no homozygotes.

Submissions (6):

Labcorp Genetics (formerly Invitae), Labcorp
Classification: Likely benign for Amyotrophic lateral sclerosis type 10; FRONTOTEMPORAL LOBAR DEGENERATION WITH TDP43 INCLUSIONS, TARDBP-RELATED. Last evaluated: 2025-04-29. Review status: criteria provided, single submitter. Criteria: Invitae Variant Classification Sherloc (09022015). Collection method: clinical testing. Allele origin: germline.

CeGaT Center for Human Genetics Tuebingen
Classification: Likely benign. Last evaluated: 2024-12-01. Review status: criteria provided, single submitter. Criteria: CeGaT Center For Human Genetics Tuebingen Variant Classification Criteria Version 2. Collection method: clinical testing. Allele origin: germline. Affected: yes. Observed: 2 variant alleles.
Comment: TARDBP: BP4

Ambry Genetics
Classification: Likely benign for Inborn genetic diseases. Last evaluated: 2023-05-14. Review status: criteria provided, single submitter. Criteria: Ambry Variant Classification Scheme 2023. Collection method: clinical testing. Allele origin: germline.

Illumina Laboratory Services, Illumina
Classification: Uncertain significance for Amyotrophic lateral sclerosis type 10. Last evaluated: 2018-01-13. Review status: criteria provided, single submitter. Criteria: ICSL Variant Classification Criteria 13 December 2019. Collection method: clinical testing. Allele origin: germline.

Athena Diagnostics
Classification: Benign. Last evaluated: 2017-12-12. Review status: criteria provided, single submitter. Criteria: Athena Diagnostics Criteria. Collection method: clinical testing. Allele origin: germline.

PreventionGenetics, part of Exact Sciences
Classification: Likely benign for TARDBP-related condition. Last evaluated: 2023-03-13. Review status: no assertion criteria provided. Collection method: clinical testing. Allele origin: germline. Not counted in ClinVar's aggregate classification.
Comment: This variant is classified as likely benign based on ACMG/AMP sequence variant interpretation guidelines (Richards et al. 2015 PMID: 25741868, with internal and published modifications).

NM_007375.4(TARDBP):c.669C>G (p.Pro223=)

Gene: TARDBP (TAR DNA binding protein; plus strand). Cytogenetic location: 1p36.22.
Variant type: single nucleotide variant.
Coding change: c.669C>G on transcript NM_007375.4 (MANE Select); coding-DNA position 669, C replaced by G.
Protein change: p.Pro223=; no amino-acid change (proline 223 retained).
Molecular consequence: synonymous variant.
Genome position (GRCh38, 1-based): chr1:11,020,554, C>G. VCF-style: chr1-11020554-C-G. GRCh37 (hg19) VCF-style: chr1-11080611-C-G.
Identifiers: ClinVar variation 586811 (VCV000586811.58), dbSNP rs149517613, ClinGen allele CA586412.